The following is an entry in ClinVar:

ClinVar aggregate classification (germline): Conflicting classifications of pathogenicity. Review status: criteria provided, conflicting classifications (1 of 4 stars). 2 submissions from 2 submitters: Uncertain significance (1); Likely benign (1). Last evaluated 2025-02-01.

Conditions:
Familial hypobetalipoproteinemia 1. Also called: APOB-Related Familial Hypobetalipoproteinemia; Hypobetalipoproteinemia, normotriglyceridemic; Acanthocytosis with hypobetalipoproteinemia. Identifiers: MedGen C4551990, MONDO:0014252, OMIM 615558.
Hypercholesterolemia, autosomal dominant, type B (FHCL2). Also called: Familial Hypercholesterolemia Type B; APOLIPOPROTEIN B-100, FAMILIAL DEFECTIVE; APOLIPOPROTEIN B-100, FAMILIAL LIGAND-DEFECTIVE; HYPERCHOLESTEROLEMIA, FAMILIAL, DUE TO LIGAND-DEFECTIVE APOLIPOPROTEIN B; Hyperlipoproteinemia Type IIb; Familial hypercholesterolemia 2. Identifiers: MedGen C1704417, MONDO:0007751, OMIM 144010.
Cardiovascular phenotype. Identifiers: MedGen CN230736.

Allele frequency attached by ClinVar (database versions not stated): gnomAD exomes below 0.00001; ExAC 0.00001.
gnomAD v4.1: 6 of 1,614,236 alleles (0.00037%); highest among the groups gnomAD compares: South Asian, 0.0055%; no homozygotes.

Submissions (2):

Ambry Genetics
Classification: Uncertain significance for Cardiovascular phenotype. Last evaluated: 2025-02-01. Review status: criteria provided, single submitter. Criteria: Ambry Variant Classification Scheme 2023. Collection method: clinical testing. Allele origin: germline.
Comment: The p.T1855A variant (also known as c.5563A>G), located in coding exon 26 of the APOB gene, results from an A to G substitution at nucleotide position 5563. The threonine at codon 1855 is replaced by alanine, an amino acid with similar properties. This amino acid position is conserved. In addition, this alteration is predicted to be tolerated by in silico analysis. Based on the available evidence, the clinical significance of this variant remains unclear.

Labcorp Genetics (formerly Invitae), Labcorp
Classification: Likely benign for Familial hypobetalipoproteinemia 1; Hypercholesterolemia, autosomal dominant, type B. Last evaluated: 2024-12-15. Review status: criteria provided, single submitter. Criteria: Invitae Variant Classification Sherloc (09022015). Collection method: clinical testing. Allele origin: germline.

NM_000384.3(APOB):c.5563A>G (p.Thr1855Ala)

Gene: APOB (apolipoprotein B; minus strand). Cytogenetic location: 2p24.1.
Variant type: single nucleotide variant.
Coding change: c.5563A>G on transcript NM_000384.3 (MANE Select); coding-DNA position 5563, A replaced by G.
Protein change: p.Thr1855Ala; replaces threonine 1855 with alanine.
Molecular consequence: missense variant.
Genome position (GRCh38, 1-based): chr2:21,011,305, T>C on the plus strand (A>G on the coding strand, the complement: APOB is on the minus strand). VCF-style: chr2-21011305-T-C. GRCh37 (hg19) VCF-style: chr2-21234177-T-C.
Other names: short protein forms T1855A.
Identifiers: ClinVar variation 3749112 (VCV003749112.3), dbSNP rs759415304.
Genomic context (GRCh38, chr2:21,011,305, plus strand): 5'-GCCCAGCGATGTCTGTGTTGAGCCGATGGCTAAACTCCACACCCTGAACCTTAGCAACAG[T>C]GTCTGCTTTATAGCTTGCTGATAAGGCAGCAGAAGAGATGGCATAGATGTGTTTTATTTC-3'
Protein context (NP_000375.3, residues 1845-1865): AALSASYKAD[Thr1855Ala]VAKVQGVEFS